The following is an entry in ClinVar:

ClinVar aggregate classification (germline): Uncertain significance (1 of 4 stars; one submission).

Submission:

Labcorp Genetics (formerly Invitae), Labcorp
Classification: Uncertain significance. Last evaluated: 2022-10-04. Review status: criteria provided, single submitter. Criteria: Invitae Variant Classification Sherloc (09022015). Collection method: clinical testing. Allele origin: germline.
Comment: In summary, the available evidence is currently insufficient to determine the role of this variant in disease. Therefore, it has been classified as a Variant of Uncertain Significance. Algorithms developed to predict the effect of missense changes on protein structure and function are either unavailable or do not agree on the potential impact of this missense change (SIFT: "Tolerated"; PolyPhen-2: "Probably Damaging"; Align-GVGD: "Class C0"). This variant has not been reported in the literature in individuals affected with HMCN1-related conditions. This variant is not present in population databases (gnomAD no frequency). This sequence change replaces valine, which is neutral and non-polar, with leucine, which is neutral and non-polar, at codon 3401 of the HMCN1 protein (p.Val3401Leu).

NM_031935.3(HMCN1):c.10201G>C (p.Val3401Leu)

Gene: HMCN1 (hemicentin 1; plus strand). Cytogenetic location: 1q31.1.
Variant type: single nucleotide variant.
Coding change: c.10201G>C on transcript NM_031935.3 (MANE Select); coding-DNA position 10201, G replaced by C.
Protein change: p.Val3401Leu; replaces valine 3401 with leucine.
Molecular consequence: missense variant.
Genome position (GRCh38, 1-based): chr1:186,094,280, G>C. VCF-style: chr1-186094280-G-C. GRCh37 (hg19) VCF-style: chr1-186063412-G-C.
Other names: short protein forms V3401L.
Identifiers: ClinVar variation 1713687 (VCV001713687.5), dbSNP rs1428389867, ClinGen allele CA343928356.